The following is an entry in ClinVar:

NM_000465.4(BARD1):c.1319A>G (p.Asp440Gly)

Gene: BARD1 (BRCA1 associated RING domain 1; minus strand). Cytogenetic location: 2q35.
Variant type: single nucleotide variant.
Coding change: c.1319A>G on transcript NM_000465.4 (MANE Select); coding-DNA position 1319, A replaced by G.
Protein change: p.Asp440Gly; replaces aspartic acid 440 with glycine.
Molecular consequence: missense variant. On other transcripts: non-coding transcript variant (3), intron variant (3).
Genome position (GRCh38, 1-based): chr2:214,769,308, T>C on the plus strand (A>G on the coding strand, the complement: BARD1 is on the minus strand). VCF-style: chr2-214769308-T-C. GRCh37 (hg19) VCF-style: chr2-215634032-T-C.
Other names: c.1262A>G, p.Asp421Gly (NM_001282543.2); c.159-16753A>G (NM_001282548.2); c.216-16753A>G (NM_001282545.2); c.364+22989A>G (NM_001282549.2); c.1319A>G (NM_000465.2); short protein forms D440G, D421G.
Identifiers: ClinVar variation 220805 (VCV000220805.14), dbSNP rs753446928, ClinGen allele CA348011.

ClinVar aggregate classification (germline): Uncertain significance. Review status: criteria provided, multiple submitters, no conflicts (2 of 4 stars). 3 submissions from 3 submitters: Uncertain significance (3). Last evaluated 2025-07-16.

Conditions:
Hereditary cancer-predisposing syndrome. Also called: Hereditary neoplastic syndrome; Tumor predisposition; Hereditary Cancer Syndrome; Neoplastic Syndromes, Hereditary. Identifiers: Orphanet 140162, MedGen C0027672, MeSH D009386, MONDO:0015356.
Familial cancer of breast. Also called: hereditary breast carcinoma; Hereditary breast cancer; BREAST CANCER, FAMILIAL. Identifiers: Orphanet 227535, MedGen C0346153, MONDO:0016419, OMIM 114480. Disease mechanism: loss of function.

Allele frequency attached by ClinVar (database versions not stated): TOPMed below 0.00001.

Submissions (3):

Labcorp Genetics (formerly Invitae), Labcorp
Classification: Uncertain significance for Familial cancer of breast. Last evaluated: 2025-07-16. Review status: criteria provided, single submitter. Criteria: Invitae Variant Classification Sherloc (09022015). Collection method: clinical testing. Allele origin: germline.
Comment: This sequence change replaces aspartic acid, which is acidic and polar, with glycine, which is neutral and non-polar, at codon 440 of the BARD1 protein (p.Asp440Gly). This variant is not present in population databases (gnomAD no frequency). This variant has not been reported in the literature in individuals affected with BARD1-related conditions. ClinVar contains an entry for this variant (Variation ID: 220805). An algorithm developed to predict the effect of missense changes on protein structure and function (PolyPhen-2) suggests that this variant is likely to be disruptive. In summary, the available evidence is currently insufficient to determine the role of this variant in disease. Therefore, it has been classified as a Variant of Uncertain Significance.

Ambry Genetics
Classification: Uncertain significance for Hereditary cancer-predisposing syndrome. Last evaluated: 2024-01-13. Review status: criteria provided, single submitter. Criteria: Ambry Variant Classification Scheme 2023. Collection method: clinical testing. Allele origin: germline.
Comment: The p.D440G variant (also known as c.1319A>G), located in coding exon 5 of the BARD1 gene, results from an A to G substitution at nucleotide position 1319. The aspartic acid at codon 440 is replaced by glycine, an amino acid with similar properties. This amino acid position is conserved. In addition, this alteration is predicted to be deleterious by in silico analysis. Since supporting evidence is limited at this time, the clinical significance of this alteration remains unclear.

Baylor Genetics
Classification: Uncertain significance for Familial cancer of breast. Last evaluated: 2023-10-27. Review status: criteria provided, single submitter. Criteria: ACMG Guidelines, 2015. Collection method: clinical testing. Allele origin: unknown.